The following is an entry in ClinVar:

NM_020433.5(JPH2):c.1169G>A (p.Arg390Lys)

Gene: JPH2 (junctophilin 2; minus strand). Cytogenetic location: 20q13.12.
Variant type: single nucleotide variant.
Coding change: c.1169G>A on transcript NM_020433.5 (MANE Select); coding-DNA position 1169, G replaced by A.
Protein change: p.Arg390Lys; replaces arginine 390 with lysine.
Molecular consequence: missense variant.
Genome position (GRCh38, 1-based): chr20:44,159,618, C>T on the plus strand (G>A on the coding strand, the complement: JPH2 is on the minus strand). VCF-style: chr20-44159618-C-T. GRCh37 (hg19) VCF-style: chr20-42788258-C-T.
Other names: short protein forms R390K.
Identifiers: ClinVar variation 4691857 (VCV004691857.2).

ClinVar aggregate classification (germline): Uncertain significance. Review status: criteria provided, multiple submitters, no conflicts (2 of 4 stars). 2 submissions from 2 submitters: Uncertain significance (2). Last evaluated 2026-03-27.

Conditions:
Cardiovascular phenotype. Identifiers: MedGen CN230736.
Hypertrophic cardiomyopathy. Also called: HYPERTROPHIC MYOCARDIOPATHY. Identifiers: Orphanet 217569, MedGen C0007194, MeSH D002312, MONDO:0005045, HP:0001639.

Submissions (2):

Molecular Diagnostic Laboratory for Inherited Cardiovascular Disease, Montreal Heart Institute
Classification: Uncertain significance for Cardiovascular phenotype. Last evaluated: 2026-03-27. Review status: criteria provided, single submitter. Criteria: ACMG Guidelines, 2015. Collection method: clinical testing. Allele origin: germline. Affected: yes.
Comment: PM2

Labcorp Genetics (formerly Invitae), Labcorp
Classification: Uncertain significance for Hypertrophic cardiomyopathy. Last evaluated: 2025-11-08. Review status: criteria provided, single submitter. Criteria: Invitae Variant Classification Sherloc (09022015). Collection method: clinical testing. Allele origin: germline.
Comment: This sequence change replaces arginine, which is basic and polar, with lysine, which is basic and polar, at codon 390 of the JPH2 protein (p.Arg390Lys). This variant also falls at the last nucleotide of exon 2, which is part of the consensus splice site for this exon. This variant is not present in population databases (gnomAD no frequency). This variant has not been reported in the literature in individuals affected with JPH2-related conditions. An algorithm developed to predict the effect of missense changes on protein structure and function (PolyPhen-2) suggests that this variant is likely to be disruptive. Variants that disrupt the consensus splice site are a relatively common cause of aberrant splicing (PMID: 17576681, 9536098). In summary, the available evidence is currently insufficient to determine the role of this variant in disease. Therefore, it has been classified as a Variant of Uncertain Significance.

Literature cited by the submitters: PubMed 17576681 (cited by Labcorp Genetics (formerly Invitae), Labcorp); PubMed 9536098 (cited by Labcorp Genetics (formerly Invitae), Labcorp).